The following is an entry in ClinVar:

NM_030962.4(SBF2):c.793G>T (p.Val265Phe)

Gene: SBF2 (SET binding factor 2; minus strand). Cytogenetic location: 11p15.4.
Variant type: single nucleotide variant.
Coding change: c.793G>T on transcript NM_030962.4 (MANE Select); coding-DNA position 793, G replaced by T.
Protein change: p.Val265Phe; replaces valine 265 with phenylalanine.
Molecular consequence: missense variant.
Genome position (GRCh38, 1-based): chr11:10,000,982, C>A on the plus strand (G>T on the coding strand, the complement: SBF2 is on the minus strand). VCF-style: chr11-10000982-C-A. GRCh37 (hg19) VCF-style: chr11-10022529-C-A.
Other names: c.793G>T, p.Val265Phe (NM_001386339.1, NM_001386342.1); short protein forms V265F.
Identifiers: ClinVar variation 956556 (VCV000956556.10), dbSNP rs1655963955, ClinGen allele CA379641784.

ClinVar aggregate classification (germline): Uncertain significance (1 of 4 stars; one submission).

Conditions:
Charcot-Marie-Tooth disease type 4. Also called: Charcot-Marie-Tooth disease, type IV; Charcot-Marie-Tooth, Type 4. Identifiers: Orphanet 64749, MedGen C4082197, MONDO:0018995.

gnomAD v4.1: 1 of 1,604,560 alleles (0.000062%); highest among the groups gnomAD compares: South Asian, 0.0011%; no homozygotes.

Submission:

Labcorp Genetics (formerly Invitae), Labcorp
Classification: Uncertain significance for Charcot-Marie-Tooth disease type 4. Last evaluated: 2025-05-27. Review status: criteria provided, single submitter. Criteria: Invitae Variant Classification Sherloc (09022015). Collection method: clinical testing. Allele origin: germline.
Comment: This sequence change replaces valine, which is neutral and non-polar, with phenylalanine, which is neutral and non-polar, at codon 265 of the SBF2 protein (p.Val265Phe). This variant is not present in population databases (gnomAD no frequency). This variant has not been reported in the literature in individuals affected with SBF2-related conditions. ClinVar contains an entry for this variant (Variation ID: 956556). Invitae Evidence Modeling of protein sequence and biophysical properties (such as structural, functional, and spatial information, amino acid conservation, physicochemical variation, residue mobility, and thermodynamic stability) indicates that this missense variant is not expected to disrupt SBF2 protein function with a negative predictive value of 80%. In summary, the available evidence is currently insufficient to determine the role of this variant in disease. Therefore, it has been classified as a Variant of Uncertain Significance.